The following is an entry in ClinVar:

ClinVar aggregate classification (germline): Uncertain significance (1 of 4 stars; one submission).

Conditions:
Cardiovascular phenotype. Identifiers: MedGen CN230736.

Submission:

Ambry Genetics
Classification: Uncertain significance for Cardiovascular phenotype. Last evaluated: 2023-11-30. Review status: criteria provided, single submitter. Criteria: Ambry Variant Classification Scheme 2023. Collection method: clinical testing. Allele origin: germline.
Comment: The p.G980E variant (also known as c.2939G>A), located in coding exon 8 of the HCN4 gene, results from a G to A substitution at nucleotide position 2939. The glycine at codon 980 is replaced by glutamic acid, an amino acid with similar properties. This amino acid position is conserved. In addition, the in silico prediction for this alteration is inconclusive. Since supporting evidence is limited at this time, the clinical significance of this alteration remains unclear.

NM_005477.3(HCN4):c.2939G>A (p.Gly980Glu)

Gene: HCN4 (hyperpolarization activated cyclic nucleotide gated potassium channel 4; minus strand). Cytogenetic location: 15q24.1.
Variant type: single nucleotide variant.
Coding change: c.2939G>A on transcript NM_005477.3 (MANE Select); coding-DNA position 2939, G replaced by A.
Protein change: p.Gly980Glu; replaces glycine 980 with glutamic acid.
Molecular consequence: missense variant.
Genome position (GRCh38, 1-based): chr15:73,323,154, C>T on the plus strand (G>A on the coding strand, the complement: HCN4 is on the minus strand). VCF-style: chr15-73323154-C-T. GRCh37 (hg19) VCF-style: chr15-73615495-C-T.
Other names: short protein forms G980E.
Identifiers: ClinVar variation 3224721 (VCV003224721.1), dbSNP rs367719274, ClinGen allele CA393086786.